The following is an entry in ClinVar:

ClinVar aggregate classification (germline): Uncertain significance. Review status: criteria provided, multiple submitters, no conflicts (2 of 4 stars). 2 submissions from 2 submitters: Uncertain significance (2). Last evaluated 2026-02-05.

Conditions:
Mitochondrial complex II deficiency, nuclear type 1. Also called: SUCCINATE CoQ REDUCTASE DEFICIENCY. Identifiers: Orphanet 3208, MedGen C5700310, MONDO:0100294, OMIM 252011.
Pheochromocytoma/paraganglioma syndrome 5. Also called: Paragangliomas 5; SDHA-Related Hereditary Paraganglioma-Pheochromocytoma Syndrome. Identifiers: Orphanet 29072, MedGen C3279992, MONDO:0013602, OMIM 614165.
Hereditary cancer-predisposing syndrome. Also called: Tumor predisposition; Hereditary Cancer Syndrome; Hereditary neoplastic syndrome; Neoplastic Syndromes, Hereditary. Identifiers: Orphanet 140162, MedGen C0027672, MeSH D009386, MONDO:0015356.

gnomAD v4.1: 1 of 1,614,184 alleles (0.000062%); highest among the groups gnomAD compares: Admixed American, 0.0017%; no homozygotes.

Submissions (2):

Ambry Genetics
Classification: Uncertain significance for Hereditary cancer-predisposing syndrome. Last evaluated: 2026-02-05. Review status: criteria provided, single submitter. Criteria: Ambry Variant Classification Scheme 2023. Collection method: clinical testing. Allele origin: germline.
Comment: The p.N409Y variant (also known as c.1225A>T), located in coding exon 9 of the SDHA gene, results from an A to T substitution at nucleotide position 1225. The asparagine at codon 409 is replaced by tyrosine, an amino acid with dissimilar properties. This amino acid position is highly conserved in available vertebrate species. In addition, this alteration is predicted to be deleterious by in silico analysis. Based on the available evidence, the clinical significance of this variant remains unclear.

Labcorp Genetics (formerly Invitae), Labcorp
Classification: Uncertain significance for Pheochromocytoma/paraganglioma syndrome 5; Mitochondrial complex II deficiency, nuclear type 1. Last evaluated: 2023-05-24. Review status: criteria provided, single submitter. Criteria: Invitae Variant Classification Sherloc (09022015). Collection method: clinical testing. Allele origin: germline.
Comment: In summary, the available evidence is currently insufficient to determine the role of this variant in disease. Therefore, it has been classified as a Variant of Uncertain Significance. Advanced modeling of protein sequence and biophysical properties (such as structural, functional, and spatial information, amino acid conservation, physicochemical variation, residue mobility, and thermodynamic stability) has been performed at Invitae for this missense variant, however the output from this modeling did not meet the statistical confidence thresholds required to predict the impact of this variant on SDHA protein function. ClinVar contains an entry for this variant (Variation ID: 1974122). This variant has not been reported in the literature in individuals affected with SDHA-related conditions. This variant is present in population databases (no rsID available, gnomAD 0.003%). This sequence change replaces asparagine, which is neutral and polar, with tyrosine, which is neutral and polar, at codon 409 of the SDHA protein (p.Asn409Tyr).

NM_004168.4(SDHA):c.1225A>T (p.Asn409Tyr)

Gene: SDHA (succinate dehydrogenase complex flavoprotein subunit A; plus strand). Cytogenetic location: 5p15.33.
Variant type: single nucleotide variant.
Coding change: c.1225A>T on transcript NM_004168.4 (MANE Select); coding-DNA position 1225, A replaced by T.
Protein change: p.Asn409Tyr; replaces asparagine 409 with tyrosine.
Molecular consequence: missense variant.
Genome position (GRCh38, 1-based): chr5:235,304, A>T. VCF-style: chr5-235304-A-T. GRCh37 (hg19) VCF-style: chr5-235419-A-T.
Other names: c.1081A>T, p.Asn361Tyr (NM_001294332.2); c.1225A>T, p.Asn409Tyr (NM_001330758.2); c.1225A>T (NM_004168.2); short protein forms N361Y, N409Y.
Identifiers: ClinVar variation 1974122 (VCV001974122.7), dbSNP rs1404377989, ClinGen allele CA359013706.
Genomic context (GRCh38, chr5:235,304, plus strand): 5'-ATCTTCGCTGGCGTGGACGTCACGAAGGAGCCGATCCCTGTCCTCCCCACCGTGCATTAT[A>T]ACATGGGCGGCATTCCCACCAACTACAAGGGGCAGGTGATGGTGCTGGCTCCTCCCCCAC-3'
Protein context (NP_004159.2, residues 399-419): PIPVLPTVHY[Asn409Tyr]MGGIPTNYKG